The following is an entry in ClinVar:

ClinVar aggregate classification (germline): Conflicting classifications of pathogenicity. Review status: criteria provided, conflicting classifications (1 of 4 stars). 4 submissions from 4 submitters: Pathogenic (1); Likely pathogenic (1); Uncertain significance (1). 1 of the submissions does not count toward it. Last evaluated 2025-05-06.

Conditions:
Neurodevelopmental-craniofacial syndrome with variable renal and cardiac abnormalities. Identifiers: MedGen C5561984, MONDO:0859190, OMIM 619522.
ZMYM2-related disorder. Also called: ZMYM2-related condition.

Submissions (4):

GeneDx
Classification: Pathogenic. Last evaluated: 2025-05-06. Review status: criteria provided, single submitter. Criteria: GeneDx Variant Classification Process June 2021. Collection method: clinical testing. Allele origin: germline. Affected: yes.
Comment: Nonsense variant predicted to result in protein truncation or nonsense mediated decay in a gene for which loss of function is a known mechanism of disease; Not observed at significant frequency in large population cohorts (gnomAD); Has not been previously published as pathogenic or benign to our knowledge

Blueprint Genetics
Classification: Uncertain significance. Last evaluated: 2024-07-04. Review status: criteria provided, single submitter. Criteria: ACMG Guidelines, 2015. Collection method: clinical testing. Allele origin: germline.

Juno Genomics, Hangzhou Juno Genomics, Inc
Classification: Likely pathogenic for Neurodevelopmental-craniofacial syndrome with variable renal and cardiac abnormalities. Review status: criteria provided, single submitter. Criteria: ACMG Guidelines, 2015. Collection method: clinical testing. Allele origin: germline. Affected: yes.
Comment: Absent from controls (or at extremely low frequency if recessive) in Genome Aggregation Database.;Null variant in a gene where loss of function (LOF) is a known mechanism of disease.

PreventionGenetics, part of Exact Sciences
Classification: Uncertain significance for ZMYM2-related condition. Last evaluated: 2023-11-22. Review status: no assertion criteria provided. Collection method: clinical testing. Allele origin: germline. Not counted in ClinVar's aggregate classification.
Comment: The ZMYM2 c.421C>T variant is predicted to result in premature protein termination (p.Arg141*). To our knowledge, this variant has not been reported in the literature or in a large population database, indicating this variant is rare. Although we suspect that this variant may be pathogenic, at this time, the clinical significance of this variant is uncertain due to the absence of conclusive functional and genetic evidence.

NM_197968.4(ZMYM2):c.421C>T (p.Arg141Ter)

Gene: ZMYM2 (zinc finger MYM-type containing 2; plus strand). Cytogenetic location: 13q12.11.
Variant type: single nucleotide variant.
Coding change: c.421C>T on transcript NM_197968.4 (MANE Select); coding-DNA position 421, C replaced by T.
Protein change: p.Arg141Ter; replaces arginine 141 with a stop codon.
Molecular consequence: nonsense. On other transcripts: non-coding transcript variant (1).
Genome position (GRCh38, 1-based): chr13:19,993,493, C>T. VCF-style: chr13-19993493-C-T. GRCh37 (hg19) VCF-style: chr13-20567633-C-T.
Other names: c.421C>T, p.Arg141Ter (NM_001190964.4, NM_001190965.4, NM_001353157.2 and 6 more transcripts); c.487C>T, p.Arg163Ter (NM_001353161.3); c.421C>T (NM_003453.4); short protein forms R141*, R163*.
Identifiers: ClinVar variation 3048386 (VCV003048386.6), dbSNP rs2501897755, ClinGen allele CA387666552.
Genomic context (GRCh38, chr13:19,993,493, plus strand): 5'-GATGAAGAGGACATGGAAACAAATCAAGGGCAAGAGAAAAATTCCTCCAATTTTATTGAA[C>T]GAAGACCTCCTGAGACTAAAAACAGAACCAATGATGTGGATTTCTCCACTTCCAGTTTTT-3'